The following is an entry in ClinVar:

NM_001372044.2(SHANK3):c.4173G>A (p.Gly1391=)

Gene: SHANK3 (SH3 and multiple ankyrin repeat domains 3; plus strand). Cytogenetic location: 22q13.33.
Variant type: single nucleotide variant.
Coding change: c.4173G>A on transcript NM_001372044.2 (MANE Select); coding-DNA position 4173, G replaced by A.
Protein change: p.Gly1391=; no amino-acid change (glycine 1391 retained).
Molecular consequence: synonymous variant.
Genome position (GRCh38, 1-based): chr22:50,721,781, G>A. VCF-style: chr22-50721781-G-A. GRCh37 (hg19) VCF-style: chr22-51160209-G-A.
Other names: c.3948G>A, p.Gly1316= (NM_033517.1).
Identifiers: ClinVar variation 2672919 (VCV002672919.23), dbSNP rs369541172, ClinGen allele CA10326180.

ClinVar aggregate classification (germline): Likely benign (1 of 4 stars; one submission).

Allele frequency attached by ClinVar (database versions not stated): ExAC 0.00005; ESP Exome Variant Server 0.00008.

Submission:

CeGaT Center for Human Genetics Tuebingen
Classification: Likely benign. Last evaluated: 2023-11-01. Review status: criteria provided, single submitter. Criteria: CeGaT Center For Human Genetics Tuebingen Variant Classification Criteria Version 2. Collection method: clinical testing. Allele origin: germline. Affected: yes. Observed: 1 variant allele.
Comment: SHANK3: BP4, BP7